The following is an entry in ClinVar:

NM_005228.5(EGFR):c.3382C>G (p.Pro1128Ala)

Gene: EGFR (epidermal growth factor receptor; plus strand). Cytogenetic location: 7p11.2.
Variant type: single nucleotide variant.
Coding change: c.3382C>G on transcript NM_005228.5 (MANE Select); coding-DNA position 3382, C replaced by G.
Protein change: p.Pro1128Ala; replaces proline 1128 with alanine.
Molecular consequence: missense variant.
Genome position (GRCh38, 1-based): chr7:55,205,366, C>G. VCF-style: chr7-55205366-C-G. GRCh37 (hg19) VCF-style: chr7-55273059-C-G.
Other names: c.3247C>G, p.Pro1083Ala (NM_001346899.2); c.3223C>G, p.Pro1075Ala (NM_001346900.2); c.2581C>G, p.Pro861Ala (NM_001346941.2); short protein forms P1075A, P861A, P1083A, P1128A.
Identifiers: ClinVar variation 4638582 (VCV004638582.1).

ClinVar aggregate classification (germline): Uncertain significance (1 of 4 stars; one submission).

Conditions:
Hereditary cancer-predisposing syndrome. Also called: Neoplastic Syndromes, Hereditary; Tumor predisposition; Hereditary Cancer Syndrome; Hereditary neoplastic syndrome. Identifiers: Orphanet 140162, MedGen C0027672, MeSH D009386, MONDO:0015356.

Submission:

Ambry Genetics
Classification: Uncertain significance for Hereditary cancer-predisposing syndrome. Last evaluated: 2025-09-27. Review status: criteria provided, single submitter. Criteria: Ambry Variant Classification Scheme 2023. Collection method: clinical testing. Allele origin: germline.
Comment: The p.P1128A variant (also known as c.3382C>G), located in coding exon 28 of the EGFR gene, results from a C to G substitution at nucleotide position 3382. The proline at codon 1128 is replaced by alanine, an amino acid with highly similar properties. This amino acid position is conserved. In addition, this alteration is predicted to be tolerated by in silico analysis. Based on the available evidence, the clinical significance of this variant remains unclear.